The following is an entry in ClinVar:

NM_001369.3(DNAH5):c.8498G>A (p.Arg2833His)

Gene: DNAH5 (dynein axonemal heavy chain 5; minus strand). Cytogenetic location: 5p15.2.
Variant type: single nucleotide variant.
Coding change: c.8498G>A on transcript NM_001369.3 (MANE Select); coding-DNA position 8498, G replaced by A.
Protein change: p.Arg2833His; replaces arginine 2833 with histidine.
Molecular consequence: missense variant.
Genome position (GRCh38, 1-based): chr5:13,788,865, C>T on the plus strand (G>A on the coding strand, the complement: DNAH5 is on the minus strand). VCF-style: chr5-13788865-C-T. GRCh37 (hg19) VCF-style: chr5-13788974-C-T.
Other names: short protein forms R2833H.
Identifiers: ClinVar variation 454809 (VCV000454809.18), dbSNP rs753130398, ClinGen allele CA3202796.

ClinVar aggregate classification (germline): Pathogenic/Likely pathogenic. Review status: criteria provided, multiple submitters, no conflicts (2 of 4 stars). 4 submissions from 4 submitters: Pathogenic (3); Likely pathogenic (1). Last evaluated 2025-11-17.

Conditions:
Primary ciliary dyskinesia. Also called: Ciliary dyskinesia. Identifiers: Orphanet 244, MedGen C0008780, MONDO:0016575, HP:0012265.
Primary ciliary dyskinesia 3. Identifiers: Orphanet 244, MedGen C1837618, MONDO:0012085, OMIM 608644.

Allele frequency attached by ClinVar (database versions not stated): gnomAD exomes 0.00001; ExAC 0.00001; gnomAD 0.00001.
gnomAD v4.1: 20 of 1,613,962 alleles (0.0012%); highest among the groups gnomAD compares: Admixed American, 0.0017%; no homozygotes.

Submissions (4):

Natera, Inc.
Classification: Pathogenic for Primary ciliary dyskinesia. Last evaluated: 2025-11-17. Review status: criteria provided, single submitter. Criteria: Natera Variant Classification Schema (03/2026). Collection method: clinical testing. Allele origin: germline.
Comment: The c.8498G>A variant in DNAH5 is a missense variant predicted to cause substitution of arginine to histidine at amino acid 2833. This variant is rare in the general population with a frequency below the threshold expected for the associated phenotype(s). This variant has been observed in one or more individuals affected with the associated recessive disease, as either homozygous or compound heterozygous with a second variant (PMID: 32367404, 27637300, 23891469). Computational prediction algorithms indicate this variant is likely to affect gene or protein function. Given the available evidence, this variant is classified as Pathogenic.

GeneDx
Classification: Likely pathogenic. Last evaluated: 2025-10-15. Review status: criteria provided, single submitter. Criteria: GeneDx Variant Classification Process June 2021. Collection method: clinical testing. Allele origin: germline.
Comment: In silico analysis supports that this missense variant has a deleterious effect on protein structure/function; This variant is associated with the following publications: (PMID: 31589614, 38206729, 37575649, 32367404, 27637300, 23891469, Guo2022[casereport], 26228299)

Labcorp Genetics (formerly Invitae), Labcorp
Classification: Pathogenic for Primary ciliary dyskinesia. Last evaluated: 2025-06-05. Review status: criteria provided, single submitter. Criteria: Invitae Variant Classification Sherloc (09022015). Collection method: clinical testing. Allele origin: germline.
Comment: This sequence change replaces arginine, which is basic and polar, with histidine, which is basic and polar, at codon 2833 of the DNAH5 protein (p.Arg2833His). This variant is present in population databases (rs753130398, gnomAD 0.003%). This missense change has been observed in individual(s) with primary ciliary dyskinesia (PMID: 23891469, 26228299, 27637300). In at least one individual the data is consistent with being in trans (on the opposite chromosome) from a pathogenic variant. ClinVar contains an entry for this variant (Variation ID: 454809). Invitae Evidence Modeling of protein sequence and biophysical properties (such as structural, functional, and spatial information, amino acid conservation, physicochemical variation, residue mobility, and thermodynamic stability) has been performed for this missense variant. However, the output from this modeling did not meet the statistical confidence thresholds required to predict the impact of this variant on DNAH5 protein function. For these reasons, this variant has been classified as Pathogenic.

Neuberg Centre For Genomic Medicine, NCGM
Classification: Pathogenic for Primary ciliary dyskinesia 3. Review status: criteria provided, single submitter. Criteria: ACMG Guidelines, 2015. Collection method: clinical testing. Allele origin: germline. Inheritance: Autosomal recessive inheritance. Affected: yes.
Comment: The observed missense variant c.8498G>A(p.Arg2833His) in DNAH5 gene has been reported previously in homozygous and compound heterozygous state in individual(s) with primary ciliary dyskinesia (Djakow J, et al., 2016; Boaretto F, et al., 2016; Zariwala MA, et al., 2013). This variant is reported with the allele frequency 0.001% in the gnomAD Exomes. This variant has been reported to the ClinVar database as Pathogenic. A different missense variant (p.Arg2833Cys) affecting the same position has been reported to be pathogenic (Davis SD, et al., 2019). The amino acid Arg at position 2833 is changed to a His changing protein sequence and it might alter its composition and physico-chemical properties. Multiple lines of computational evidence (Polyphen - Possibly damaging, SIFT – Damaging and MutationTaster - Disease causing) predict a damaging effect on protein structure and function for this variant. The residue is conserved by GERP++ and PhyloP across 100 vertebrates. For these reasons, this variant has been classified as Pathogenic.

Literature cited by the submitters: PubMed 32367404 (cited by Natera, Inc.); PubMed 27637300 (cited by Natera, Inc. and Labcorp Genetics (formerly Invitae), Labcorp); PubMed 23891469 (cited by Natera, Inc. and Labcorp Genetics (formerly Invitae), Labcorp); PubMed 26228299 (cited by Labcorp Genetics (formerly Invitae), Labcorp).